The following is an entry in ClinVar:

NM_000206.3(IL2RG):c.281C>T (p.Ser94Leu)

Gene: IL2RG (interleukin 2 receptor subunit gamma; minus strand). Cytogenetic location: Xq13.1.
Variant type: single nucleotide variant.
Coding change: c.281C>T on transcript NM_000206.3 (MANE Select); coding-DNA position 281, C replaced by T.
Protein change: p.Ser94Leu; replaces serine 94 with leucine.
Molecular consequence: missense variant.
Genome position (GRCh38, 1-based): chrX:71,110,677, G>A on the plus strand (C>T on the coding strand, the complement: IL2RG is on the minus strand). VCF-style: chrX-71110677-G-A. GRCh37 (hg19) VCF-style: chrX-70330527-G-A.
Other names: short protein forms S94L.
Identifiers: ClinVar variation 763095 (VCV000763095.15), dbSNP rs775704953, ClinGen allele CA10443894.
Genomic context (GRCh38, chrX:71,110,677, plus strand): 5'-CCAGAAGTGATTTCTTCAGAGAATAGATAGTGGCTGCACTTCTGGACTTTATCATTATCC[G>A]AGTTCTTGTACCTAGAGGAGAAAGGTTGGAAGGAAGAGGAACAGTGGGGCCAATCTGGGT-3'
Protein context (NP_000197.1, residues 84-104): NLTLHYWYKN[Ser94Leu]DNDKVQKCSH

ClinVar aggregate classification (germline): Conflicting classifications of pathogenicity. Review status: criteria provided, conflicting classifications (1 of 4 stars). 4 submissions from 4 submitters: Uncertain significance (1); Benign (1). 2 of the submissions do not count toward it. Last evaluated 2025-10-30.

Conditions:
Inborn genetic diseases. Identifiers: MedGen C0950123, MeSH D030342.
X-linked severe combined immunodeficiency (SCIDX1). Also called: IMMUNODEFICIENCY 4; SCID, X-LINKED; SEVERE COMBINED IMMUNODEFICIENCY, X-LINKED, T CELL-NEGATIVE, B CELL-POSITIVE, NK CELL-NEGATIVE; X-Linked Combined Immunodeficiency Diseases; T-B+ severe combined immunodeficiency due to gamma chain deficiency. Identifiers: Orphanet 276, MedGen C6022468, MONDO:0010315, OMIM 300400. Disease mechanism: loss of function.
IL2RG-related disorder. Also called: IL2RG-related condition.

Allele frequency attached by ClinVar (database versions not stated): gnomAD 0.00003; TOPMed 0.00003; gnomAD exomes 0.00004 and 0.00012; ExAC 0.00011.

Submissions (4):

Labcorp Genetics (formerly Invitae), Labcorp
Classification: Benign for X-linked severe combined immunodeficiency. Last evaluated: 2025-10-30. Review status: criteria provided, single submitter. Criteria: Invitae Variant Classification Sherloc (09022015). Collection method: clinical testing. Allele origin: germline.

Ambry Genetics
Classification: Uncertain significance for Inborn genetic diseases. Last evaluated: 2023-09-13. Review status: criteria provided, single submitter. Criteria: Ambry Variant Classification Scheme 2023. Collection method: clinical testing. Allele origin: germline.

PreventionGenetics, part of Exact Sciences
Classification: Likely benign for IL2RG-related condition. Last evaluated: 2023-12-23. Review status: no assertion criteria provided. Collection method: clinical testing. Allele origin: germline. Not counted in ClinVar's aggregate classification.
Comment: This variant is classified as likely benign based on ACMG/AMP sequence variant interpretation guidelines (Richards et al. 2015 PMID: 25741868, with internal and published modifications).

Natera, Inc.
Classification: Likely benign for X-linked severe combined immunodeficiency. Last evaluated: 2020-10-10. Review status: no assertion criteria provided. Collection method: clinical testing. Allele origin: germline. Not counted in ClinVar's aggregate classification.